The following is an entry in ClinVar:

ClinVar aggregate classification (germline): Uncertain significance (1 of 4 stars; one submission).

Conditions:
Bloom syndrome (BLM). Also called: Bloom-Torre-Machacek syndrome. Identifiers: Orphanet 125, MedGen C0005859, MONDO:0008876, OMIM 210900.

Submission:

Labcorp Genetics (formerly Invitae), Labcorp
Classification: Uncertain significance for Bloom syndrome. Last evaluated: 2022-10-29. Review status: criteria provided, single submitter. Criteria: Invitae Variant Classification Sherloc (09022015). Collection method: clinical testing. Allele origin: germline.
Comment: This sequence change replaces aspartic acid, which is acidic and polar, with asparagine, which is neutral and polar, at codon 569 of the BLM protein (p.Asp569Asn). In summary, the available evidence is currently insufficient to determine the role of this variant in disease. Therefore, it has been classified as a Variant of Uncertain Significance. Advanced modeling of protein sequence and biophysical properties (such as structural, functional, and spatial information, amino acid conservation, physicochemical variation, residue mobility, and thermodynamic stability) performed at Invitae indicates that this missense variant is not expected to disrupt BLM protein function. This variant has not been reported in the literature in individuals affected with BLM-related conditions. This variant is not present in population databases (gnomAD no frequency).

NM_000057.4(BLM):c.1705G>A (p.Asp569Asn)

Gene: BLM (BLM RecQ like helicase; plus strand). Cytogenetic location: 15q26.1.
Variant type: single nucleotide variant.
Coding change: c.1705G>A on transcript NM_000057.4 (MANE Select); coding-DNA position 1705, G replaced by A.
Protein change: p.Asp569Asn; replaces aspartic acid 569 with asparagine.
Molecular consequence: missense variant.
Genome position (GRCh38, 1-based): chr15:90,761,078, G>A. VCF-style: chr15-90761078-G-A. GRCh37 (hg19) VCF-style: chr15-91304308-G-A.
Other names: c.1705G>A, p.Asp569Asn (NM_001287246.2, NM_001287247.2); c.580G>A, p.Asp194Asn (NM_001287248.2); short protein forms D569N, D194N.
Identifiers: ClinVar variation 2918158 (VCV002918158.1), dbSNP rs2505428220, ClinGen allele CA393843666.